The following is an entry in ClinVar:

NM_014956.5(CEP164):c.2492A>G (p.Glu831Gly)

Gene: CEP164 (centrosomal protein 164; plus strand). Cytogenetic location: 11q23.3.
Variant type: single nucleotide variant.
Coding change: c.2492A>G on transcript NM_014956.5 (MANE Select); coding-DNA position 2492, A replaced by G.
Protein change: p.Glu831Gly; replaces glutamic acid 831 with glycine.
Molecular consequence: missense variant.
Genome position (GRCh38, 1-based): chr11:117,392,626, A>G. VCF-style: chr11-117392626-A-G. GRCh37 (hg19) VCF-style: chr11-117263342-A-G.
Other names: c.2501A>G, p.Glu834Gly (NM_001271933.2); short protein forms E834G, E831G.
Identifiers: ClinVar variation 1974891 (VCV001974891.5), dbSNP rs770584842, ClinGen allele CA6295076.

ClinVar aggregate classification (germline): Uncertain significance (1 of 4 stars; one submission).

Conditions:
Nephronophthisis 15 (NPHP15). Identifiers: Orphanet 3156, MedGen C3541853, MONDO:0013917, OMIM 614845.

Allele frequency attached by ClinVar (database versions not stated): gnomAD exomes below 0.00001; ExAC 0.00002.
gnomAD v4.1: 2 of 1,613,776 alleles (0.00012%); highest among the groups gnomAD compares: Non-Finnish European, 0.00017%; no homozygotes.

Submission:

Labcorp Genetics (formerly Invitae), Labcorp
Classification: Uncertain significance for Nephronophthisis 15. Last evaluated: 2022-07-25. Review status: criteria provided, single submitter. Criteria: Invitae Variant Classification Sherloc (09022015). Collection method: clinical testing. Allele origin: germline.
Comment: This variant has not been reported in the literature in individuals affected with CEP164-related conditions. Algorithms developed to predict the effect of missense changes on protein structure and function are either unavailable or do not agree on the potential impact of this missense change (SIFT: "Deleterious"; PolyPhen-2: "Probably Damaging"; Align-GVGD: "Class C0"). Algorithms developed to predict the effect of sequence changes on RNA splicing suggest that this variant may create or strengthen a splice site. In summary, the available evidence is currently insufficient to determine the role of this variant in disease. Therefore, it has been classified as a Variant of Uncertain Significance. This variant is present in population databases (rs770584842, gnomAD 0.002%). This sequence change replaces glutamic acid, which is acidic and polar, with glycine, which is neutral and non-polar, at codon 831 of the CEP164 protein (p.Glu831Gly).